The following is an entry in ClinVar:

NM_000021.4(PSEN1):c.505T>C (p.Ser169Pro)

Gene: PSEN1 (presenilin 1; plus strand). Cytogenetic location: 14q24.2.
Variant type: single nucleotide variant.
Coding change: c.505T>C on transcript NM_000021.4 (MANE Select); coding-DNA position 505, T replaced by C.
Protein change: p.Ser169Pro; replaces serine 169 with proline.
Molecular consequence: missense variant.
Genome position (GRCh38, 1-based): chr14:73,186,877, T>C. VCF-style: chr14-73186877-T-C. GRCh37 (hg19) VCF-style: chr14-73653585-T-C.
Other names: c.493T>C, p.Ser165Pro (NM_007318.3); short protein forms S169P, S165P.
Identifiers: ClinVar variation 98040 (VCV000098040.2), dbSNP rs63750418, ClinGen allele CA225044.

ClinVar aggregate classification (germline): Likely pathogenic. Review status: criteria provided, single submitter (1 of 4 stars). 2 submissions from 2 submitters: Likely pathogenic (1). 1 of the submissions does not count toward it. Last evaluated 2017-04-14.

Submissions (2):

GeneDx
Classification: Likely pathogenic. Last evaluated: 2017-04-14. Review status: criteria provided, single submitter. Criteria: GeneDx Variant Classification (06012015). Collection method: clinical testing. Allele origin: germline. Affected: yes.
Comment: The S169P variant in the PSEN1 gene has been reported previously in the heterozygous state in two siblings with early onset Alzheimer disease (Ezquerra et al., 1999). The S169P variant is not observed in large population cohorts (Lek et al., 2016; 1000 Genomes Consortium et al., 2015; Exome Variant Server). The S169P variant is a non-conservative amino acid substitution, which is likely to impact secondary protein structure as these residues differ in polarity, charge, size and/or other properties. In addition, this substitution occurs at a position that is conserved across species, and in silico analysis predicts this variant is probably damaging to the protein structure/function. Missense variants in nearby residues (A164V, W165G, W165C, L166V, L166P, L166R, L166H, I168T, S170F, L171P, L173W, L173F, L174M, L174R) and at the same residue (S169L) have been reported in the Human Gene Mutation Database in association with Alzheimer disease (Stenson et al., 2014), supporting the functional importance of this region of the protein. We interpret S169P as a likely pathogenic variant.

VIB  Department of Molecular Genetics, University of Antwerp
No classification provided. Review status: no classification provided. Collection method: not provided. Allele origin: unknown. Not counted in ClinVar's aggregate classification.